The following is an entry in ClinVar:

NM_018063.5(HELLS):c.1520G>A (p.Arg507Gln)

Gene: HELLS (helicase, lymphoid specific; plus strand). Cytogenetic location: 10q23.33.
Variant type: single nucleotide variant.
Coding change: c.1520G>A on transcript NM_018063.5 (MANE Select); coding-DNA position 1520, G replaced by A.
Protein change: p.Arg507Gln; replaces arginine 507 with glutamine.
Molecular consequence: missense variant.
Genome position (GRCh38, 1-based): chr10:94,590,444, G>A. VCF-style: chr10-94590444-G-A. GRCh37 (hg19) VCF-style: chr10-96350201-G-A.
Other names: c.1658G>A, p.Arg553Gln (NM_001289067.2); c.1472G>A, p.Arg491Gln (NM_001289068.2); c.1424G>A, p.Arg475Gln (NM_001289069.2); c.1226G>A, p.Arg409Gln (NM_001289070.2); c.1148G>A, p.Arg383Gln (NM_001289071.2); c.1130G>A, p.Arg377Gln (NM_001289072.2); c.1106G>A, p.Arg369Gln (NM_001289073.2); c.437G>A, p.Arg146Gln (NM_001289074.2); and 2 more; short protein forms R101Q, R146Q, R377Q, R383Q, R491Q, R475Q, R409Q, R507Q.
Identifiers: ClinVar variation 1445692 (VCV001445692.7), dbSNP rs368865793, ClinGen allele CA5615532.

ClinVar aggregate classification (germline): Uncertain significance. Review status: criteria provided, multiple submitters, no conflicts (2 of 4 stars). 2 submissions from 2 submitters: Uncertain significance (2). Last evaluated 2023-12-22.

Conditions:
Inborn genetic diseases. Identifiers: MedGen C0950123, MeSH D030342.

Allele frequency attached by ClinVar (database versions not stated): gnomAD exomes below 0.00001; ExAC 0.00002; gnomAD 0.00004; ESP Exome Variant Server 0.00008; TOPMed 0.00008.
gnomAD v4.1: 12 of 1,608,976 alleles (0.00075%); highest among the groups gnomAD compares: Admixed American, 0.0069%; no homozygotes.

Submissions (2):

Ambry Genetics
Classification: Uncertain significance for Inborn genetic diseases. Last evaluated: 2023-12-22. Review status: criteria provided, single submitter. Criteria: Ambry Variant Classification Scheme 2023. Collection method: clinical testing. Allele origin: germline.

Labcorp Genetics (formerly Invitae), Labcorp
Classification: Uncertain significance. Last evaluated: 2023-08-24. Review status: criteria provided, single submitter. Criteria: Invitae Variant Classification Sherloc (09022015). Collection method: clinical testing. Allele origin: germline.
Comment: This sequence change replaces arginine, which is basic and polar, with glutamine, which is neutral and polar, at codon 507 of the HELLS protein (p.Arg507Gln). This variant is present in population databases (rs368865793, gnomAD 0.0009%). This variant has not been reported in the literature in individuals affected with HELLS-related conditions. ClinVar contains an entry for this variant (Variation ID: 1445692). An algorithm developed to predict the effect of missense changes on protein structure and function (PolyPhen-2) suggests that this variant is likely to be disruptive. In summary, the available evidence is currently insufficient to determine the role of this variant in disease. Therefore, it has been classified as a Variant of Uncertain Significance.